The following is an entry in ClinVar:

ClinVar aggregate classification (germline): Benign (1 of 4 stars; one submission).

Conditions:
Ehlers-Danlos syndrome, dermatosparaxis type. Also called: EDS VIIC; Dermatosparaxis; Ehlers-Danlos syndrome, type VII, autosomal recessive. Identifiers: Orphanet 1901, MedGen C2700425, MONDO:0009161, OMIM 225410.

Allele frequency attached by ClinVar (database versions not stated): gnomAD 0.23671 and 0.24377; TOPMed 0.24387; 1000 Genomes Project 30x 0.25640; 1000 Genomes Project 0.26398.

Submission:

Illumina Laboratory Services, Illumina
Classification: Benign for Ehlers-Danlos syndrome, dermatosparaxis type. Last evaluated: 2018-01-13. Review status: criteria provided, single submitter. Criteria: ICSL Variant Classification Criteria 13 December 2019. Collection method: clinical testing. Allele origin: germline.
Comment: This variant was observed in the ICSL laboratory as part of a predisposition screen in an ostensibly healthy population. It had not been previously curated by ICSL or reported in the Human Gene Mutation Database (HGMD: prior to June 1st, 2018), and was therefore a candidate for classification through an automated scoring system. Utilizing variant allele frequency, disease prevalence and penetrance estimates, and inheritance mode, an automated score was calculated to assess if this variant is too frequent to cause the disease. Based on the score and internal cut-off values, a variant classified as benign is not then subjected to further curation. The score for this variant resulted in a classification of benign for this disease.

NM_014244.5(ADAMTS2):c.*2951G>A

Gene: ADAMTS2 (ADAM metallopeptidase with thrombospondin type 1 motif 2; minus strand). Cytogenetic location: 5q35.3.
Variant type: single nucleotide variant.
Coding change: c.*2951G>A on transcript NM_014244.5 (MANE Select); 2951 bases downstream of the stop codon, G replaced by A.
Molecular consequence: 3 prime UTR variant.
Genome position (GRCh38, 1-based): chr5:179,110,916, C>T on the plus strand (G>A on the coding strand, the complement: ADAMTS2 is on the minus strand). VCF-style: chr5-179110916-C-T. GRCh37 (hg19) VCF-style: chr5-178537917-C-T.
Identifiers: ClinVar variation 353036 (VCV000353036.5), dbSNP rs1044205, ClinGen allele CA10624217.
Genomic context (GRCh38, chr5:179,110,916, plus strand): 5'-TTTGCAAAAACACAGACATTTTAACTTTAATAAGTTATAAAAGTAAGGAGTCAAATTTTA[C>T]ATTACAGAACAAAGATGTATTGGTTGTTGTATCGGTAAGCCAGAATTTTGTGATTTGAGT-3'